The following is an entry in ClinVar:

ClinVar aggregate classification (germline): Likely pathogenic. Review status: criteria provided, multiple submitters, no conflicts (2 of 4 stars). 6 submissions from 6 submitters: Likely pathogenic (5). 1 of the submissions does not count toward it. Last evaluated 2022-12-30.

Conditions:
TRMU-related disorder. Also called: TRMU-related condition.
Acute infantile liver failure due to synthesis defect of mtDNA-encoded proteins. Also called: TRMU Deficiency; Liver failure acute infantile; LIVER FAILURE, INFANTILE, TRANSIENT. Identifiers: Orphanet 217371, MedGen C3278664, MONDO:0013111, OMIM 613070.
Aminoglycoside-induced deafness. Also called: STREPTOMYCIN OTOTOXICITY; MT-RNR1-Related Hearing Loss and Deafness; DEAFNESS, STREPTOMYCIN-INDUCED. Identifiers: Orphanet 168609, MedGen C1838854, MONDO:0010799, OMIM 580000.

Allele frequency attached by ClinVar (database versions not stated): ExAC 0.00001; TOPMed 0.00001; gnomAD 0.00002; gnomAD exomes 0.00002.

Submissions (6):

Baylor Genetics
Classification: Likely pathogenic for Aminoglycoside-induced deafness. Last evaluated: 2022-12-30. Review status: criteria provided, single submitter. Criteria: ACMG Guidelines, 2015. Collection method: clinical testing. Allele origin: unknown.

Women's Health and Genetics/Laboratory Corporation of America, LabCorp
Classification: Likely pathogenic for Acute infantile liver failure due to synthesis defect of mtDNA-encoded proteins. Last evaluated: 2022-08-10. Review status: criteria provided, single submitter. Criteria: LabCorp Variant Classification Summary - May 2015. Collection method: clinical testing. Allele origin: germline.
Comment: Variant summary: TRMU c.249-2A>G is located in a canonical splice-site and is predicted to affect mRNA splicing resulting in a significantly altered protein due to either exon skipping, shortening, or inclusion of intronic material. Several computational tools predict a significant impact on normal splicing: Four predict the variant abolishes the canonical 3' acceptor site. Two predict the variant creates a cryptic 5' donor site. However, these predictions have yet to be confirmed by functional studies. The variant allele was found at a frequency of 1.6e-05 in 249714 control chromosomes (gnomAD). To our knowledge, no occurrence of c.249-2A>G in individuals affected with Liver Failure Acute Infantile, Transient and no experimental evidence demonstrating its impact on protein function have been reported. Two clinical diagnostic laboratories have submitted clinical-significance assessments for this variant to ClinVar after 2014 and all classified the variant as likely pathogenic. Based on the evidence outlined above, the variant was classified as likely pathogenic.

Blueprint Genetics
Classification: Likely pathogenic for TRMU-related disorders. Last evaluated: 2022-05-02. Review status: criteria provided, single submitter. Criteria: ACMG Guidelines, 2015. Collection method: clinical testing. Allele origin: germline. Affected: yes. Observed: 1 variant allele.

Fulgent Genetics
Classification: Likely pathogenic for Aminoglycoside-induced deafness; Acute infantile liver failure due to synthesis defect of mtDNA-encoded proteins. Last evaluated: 2022-03-15. Review status: criteria provided, single submitter. Criteria: ACMG Guidelines, 2015. Collection method: clinical testing. Allele origin: unknown.

Labcorp Genetics (formerly Invitae), Labcorp
Classification: Likely pathogenic. Last evaluated: 2020-07-13. Review status: criteria provided, single submitter. Criteria: Invitae Variant Classification Sherloc (09022015). Collection method: clinical testing. Allele origin: germline.
Comment: In summary, the currently available evidence indicates that the variant is pathogenic, but additional data are needed to prove that conclusively. Therefore, this variant has been classified as Likely Pathogenic. This sequence change affects an acceptor splice site in intron 2 of the TRMU gene. It is expected to disrupt RNA splicing and likely results in an absent or disrupted protein product. This variant is present in population databases (rs768299416, ExAC 0.01%). This variant has not been reported in the literature in individuals with TRMU-related conditions. Algorithms developed to predict the effect of sequence changes on RNA splicing suggest that this variant may disrupt the consensus splice site, but this prediction has not been confirmed by published transcriptional studies. Donor and acceptor splice site variants typically lead to a loss of protein function (PMID: 16199547), and loss-of-function variants in TRMU are known to be pathogenic (PMID: 19732863, 23625533).

Natera, Inc.
Classification: Likely pathogenic for Acute infantile liver failure due to synthesis defect of mtDNA-encoded proteins. Last evaluated: 2021-05-28. Review status: no assertion criteria provided. Collection method: clinical testing. Allele origin: germline. Not counted in ClinVar's aggregate classification.

Literature cited by the submitters: PubMed 16199547 (cited by Labcorp Genetics (formerly Invitae), Labcorp); PubMed 19732863 (cited by Labcorp Genetics (formerly Invitae), Labcorp); PubMed 23625533 (cited by Labcorp Genetics (formerly Invitae), Labcorp).

NM_018006.5(TRMU):c.249-2A>G

Gene: TRMU (tRNA mitochondrial 2-thiouridylase; plus strand). Cytogenetic location: 22q13.31.
Variant type: single nucleotide variant.
Coding change: c.249-2A>G on transcript NM_018006.5 (MANE Select); the canonical splice acceptor site of the intron before coding-DNA position 249, A replaced by G.
Molecular consequence: splice acceptor variant. On other transcripts: intron variant (3).
Genome position (GRCh38, 1-based): chr22:46,343,260, A>G. VCF-style: chr22-46343260-A-G. GRCh37 (hg19) VCF-style: chr22-46739157-A-G.
Other names: c.249-2A>G (NM_018006.4, NM_001282785.2); c.14-3162A>G (NM_001282782.2); c.-6-3162A>G (NM_001282783.2, NM_001282784.2).
Identifiers: ClinVar variation 1067268 (VCV001067268.13), dbSNP rs768299416, ClinGen allele CA10291998.